The following is an entry in ClinVar:

NM_004168.4(SDHA):c.1080G>T (p.Glu360Asp)

Gene: SDHA (succinate dehydrogenase complex flavoprotein subunit A; plus strand). Cytogenetic location: 5p15.33.
Variant type: single nucleotide variant.
Coding change: c.1080G>T on transcript NM_004168.4 (MANE Select); coding-DNA position 1080, G replaced by T.
Protein change: p.Glu360Asp; replaces glutamic acid 360 with aspartic acid.
Molecular consequence: missense variant.
Genome position (GRCh38, 1-based): chr5:235,159, G>T. VCF-style: chr5-235159-G-T. GRCh37 (hg19) VCF-style: chr5-235274-G-T.
Other names: c.936G>T, p.Glu312Asp (NM_001294332.2); c.1080G>T, p.Glu360Asp (NM_001330758.2); short protein forms E312D, E360D.
Identifiers: ClinVar variation 2947643 (VCV002947643.3), dbSNP rs2477362286, ClinGen allele CA359013409.

ClinVar aggregate classification (germline): Uncertain significance (1 of 4 stars; one submission).

Conditions:
Mitochondrial complex II deficiency, nuclear type 1. Also called: SUCCINATE CoQ REDUCTASE DEFICIENCY. Identifiers: Orphanet 3208, MedGen C5700310, MONDO:0100294, OMIM 252011.
Pheochromocytoma/paraganglioma syndrome 5. Also called: Paragangliomas 5; SDHA-Related Hereditary Paraganglioma-Pheochromocytoma Syndrome. Identifiers: Orphanet 29072, MedGen C3279992, MONDO:0013602, OMIM 614165.

Submission:

Labcorp Genetics (formerly Invitae), Labcorp
Classification: Uncertain significance for Pheochromocytoma/paraganglioma syndrome 5; Mitochondrial complex II deficiency, nuclear type 1. Last evaluated: 2023-05-11. Review status: criteria provided, single submitter. Criteria: Invitae Variant Classification Sherloc (09022015). Collection method: clinical testing. Allele origin: germline.
Comment: This variant is not present in population databases (gnomAD no frequency). This sequence change replaces glutamic acid, which is acidic and polar, with aspartic acid, which is acidic and polar, at codon 360 of the SDHA protein (p.Glu360Asp). This variant has not been reported in the literature in individuals affected with SDHA-related conditions. Advanced modeling of protein sequence and biophysical properties (such as structural, functional, and spatial information, amino acid conservation, physicochemical variation, residue mobility, and thermodynamic stability) performed at Invitae indicates that this missense variant is not expected to disrupt SDHA protein function. In summary, the available evidence is currently insufficient to determine the role of this variant in disease. Therefore, it has been classified as a Variant of Uncertain Significance.